The following is an entry in ClinVar:

NM_014014.5(SNRNP200):c.1469G>A (p.Arg490His)

Gene: SNRNP200 (small nuclear ribonucleoprotein U5 subunit 200; minus strand). Cytogenetic location: 2q11.2.
Variant type: single nucleotide variant.
Coding change: c.1469G>A on transcript NM_014014.5 (MANE Select); coding-DNA position 1469, G replaced by A.
Protein change: p.Arg490His; replaces arginine 490 with histidine.
Molecular consequence: missense variant.
Genome position (GRCh38, 1-based): chr2:96,296,979, C>T on the plus strand (G>A on the coding strand, the complement: SNRNP200 is on the minus strand). VCF-style: chr2-96296979-C-T. GRCh37 (hg19) VCF-style: chr2-96962717-C-T.
Other names: short protein forms R490H.
Identifiers: ClinVar variation 3012718 (VCV003012718.3), dbSNP rs144219123, ClinGen allele CA52401784.

ClinVar aggregate classification (germline): Uncertain significance (1 of 4 stars; one submission).

Allele frequency attached by ClinVar (database versions not stated): gnomAD 0.00002; TOPMed 0.00002; ESP Exome Variant Server 0.00008.
gnomAD v4.1: 29 of 1,614,086 alleles (0.0018%); highest among the groups gnomAD compares: South Asian, 0.0033%; no homozygotes.

Submission:

Labcorp Genetics (formerly Invitae), Labcorp
Classification: Uncertain significance. Last evaluated: 2023-07-25. Review status: criteria provided, single submitter. Criteria: Invitae Variant Classification Sherloc (09022015). Collection method: clinical testing. Allele origin: germline.
Comment: In summary, the available evidence is currently insufficient to determine the role of this variant in disease. Therefore, it has been classified as a Variant of Uncertain Significance. Advanced modeling of protein sequence and biophysical properties (such as structural, functional, and spatial information, amino acid conservation, physicochemical variation, residue mobility, and thermodynamic stability) performed at Invitae indicates that this missense variant is not expected to disrupt SNRNP200 protein function. This variant has not been reported in the literature in individuals affected with SNRNP200-related conditions. This variant is present in population databases (rs144219123, gnomAD 0.003%). This sequence change replaces arginine, which is basic and polar, with histidine, which is basic and polar, at codon 490 of the SNRNP200 protein (p.Arg490His).